The following is an entry in ClinVar:

ClinVar aggregate classification (germline): Pathogenic (1 of 4 stars; one submission).

Conditions:
Isolated microphthalmia 2. Identifiers: Orphanet 2542, MedGen C1864720, MONDO:0012409, OMIM 610093.

Submission:

Labcorp Genetics (formerly Invitae), Labcorp
Classification: Pathogenic for Isolated microphthalmia 2. Last evaluated: 2018-11-11. Review status: criteria provided, single submitter. Criteria: Invitae Variant Classification Sherloc (09022015). Collection method: clinical testing. Allele origin: germline.
Comment: This variant is a gross deletion of the genomic region encompassing exons 1-3 of the VSX2 gene, which includes the initiator codon. The 5' end of this event is unknown as it extends beyond the assayed region for this gene and therefore may encompass additional genes. The 3' boundary is likely confined to intron 3 of the VSX2 gene. This is expected to result in an absent or disrupted protein product. This variant has not been reported in the literature in individuals with VSX2-related disease. Loss-of-function variants in VSX2 are known to be pathogenic (PMID: 20414678). For these reasons, this variant has been classified as Pathogenic.

Literature cited by the submitters: PubMed 20414678.

NC_000014.9:g.(?_74239552)_(74245298_?)del

Gene: VSX2 (visual system homeobox 2; plus strand). Cytogenetic location: 14q24.3.
Variant type: Deletion.
Identifiers: ClinVar variation 645368 (VCV000645368.4).